The following is an entry in ClinVar:

ClinVar aggregate classification (germline): Uncertain significance (1 of 4 stars; one submission).

Submission:

Ambry Genetics
Classification: Uncertain significance. Last evaluated: 2022-02-21. Review status: criteria provided, single submitter. Criteria: Ambry Variant Classification Scheme 2023. Collection method: clinical testing. Allele origin: germline.
Comment: The p.E601A variant (also known as c.1802A>C), located in coding exon 14 of the RECQL gene, results from an A to C substitution at nucleotide position 1802. The glutamic acid at codon 601 is replaced by alanine, an amino acid with dissimilar properties. This amino acid position is conserved. In addition, this alteration is predicted to be tolerated by in silico analysis. Since supporting evidence is limited at this time, the clinical significance of this alteration remains unclear.

NM_002907.4(RECQL):c.1802A>C (p.Glu601Ala)

Genes: PYROXD1 (pyridine nucleotide-disulphide oxidoreductase domain 1; plus strand), RECQL (RecQ like helicase; minus strand). Cytogenetic location: 12p12.1.
Variant type: single nucleotide variant.
Coding change: c.1802A>C on transcript NM_002907.4 (MANE Select); coding-DNA position 1802, A replaced by C.
Protein change: p.Glu601Ala; replaces glutamic acid 601 with alanine.
Molecular consequence: missense variant. On other transcripts: 3 prime UTR variant (3).
Genome position (GRCh38, 1-based): chr12:21,470,342, T>G on the plus strand (A>C on the coding strand, the complement: RECQL is on the minus strand). VCF-style: chr12-21470342-T-G. GRCh37 (hg19) VCF-style: chr12-21623276-T-G.
Other names: c.1802A>C, p.Glu601Ala (NM_032941.3); c.*1588T>G (NM_001350912.2, NM_001350913.2, NM_024854.5); short protein forms E601A.
Identifiers: ClinVar variation 1780424 (VCV001780424.2), dbSNP rs2540307170, ClinGen allele CA384114126.